The following is an entry in ClinVar:

ClinVar aggregate classification (germline): Likely benign. Review status: criteria provided, single submitter (1 of 4 stars). 2 submissions from 2 submitters: Likely benign (1). 1 of the submissions does not count toward it. Last evaluated 2026-01-15.

Conditions:
TPO-related disorder. Also called: TPO-related condition.

Allele frequency attached by ClinVar (database versions not stated): TOPMed 0.00003; 1000 Genomes Project 30x 0.00016.
gnomAD v4.1: 30 of 1,614,186 alleles (0.0019%); highest among the groups gnomAD compares: East Asian, 0.025%; no homozygotes.

Submissions (2):

Labcorp Genetics (formerly Invitae), Labcorp
Classification: Likely benign. Last evaluated: 2026-01-15. Review status: criteria provided, single submitter. Criteria: Invitae Variant Classification Sherloc (09022015). Collection method: clinical testing. Allele origin: germline.

PreventionGenetics, part of Exact Sciences
Classification: Likely benign for TPO-related condition. Last evaluated: 2019-03-20. Review status: no assertion criteria provided. Collection method: clinical testing. Allele origin: germline. Not counted in ClinVar's aggregate classification.
Comment: This variant is classified as likely benign based on ACMG/AMP sequence variant interpretation guidelines (Richards et al. 2015 PMID: 25741868, with internal and published modifications).

NM_001206744.2(TPO):c.1683G>T (p.Thr561=)

Genes: LALTOP (lung cancer associated lncRNA targeting TOP2A; minus strand), TPO (thyroid peroxidase; plus strand). Cytogenetic location: 2p25.3.
Variant type: single nucleotide variant.
Coding change: c.1683G>T on transcript NM_001206744.2 (MANE Select); coding-DNA position 1683, G replaced by T.
Protein change: p.Thr561=; no amino-acid change (threonine 561 retained).
Molecular consequence: synonymous variant. On other transcripts: intron variant (2).
Genome position (GRCh38, 1-based): chr2:1,487,906, G>T. VCF-style: chr2-1487906-G-T. GRCh37 (hg19) VCF-style: chr2-1491678-G-T.
Other names: c.1683G>T, p.Thr561= (NM_000547.6, NM_175721.3); c.1164G>T, p.Thr388= (NM_175722.3); c.1597+3052G>T (NM_175719.4, NM_001206745.2).
Identifiers: ClinVar variation 718986 (VCV000718986.8), dbSNP rs748083838, ClinGen allele CA1511809.
Genomic context (GRCh38, chr2:1,487,906, plus strand): 5'-CCTTCTTGCAAGACCAGCCAAACTGCAGGTGCAGGATCAGCTGATGAACGAGGAGCTGAC[G>T]GAAAGGCTCTTTGTGCTGTCCAATTCCAGCACCTTGGATCTGGCGTCCATCAACCTGCAG-3'
Protein context (NP_001193673.1, residues 551-571): VQDQLMNEEL[Thr561=]ERLFVLSNSS